The following is an entry in ClinVar:

NM_004974.4(KCNA2):c.566G>A (p.Arg189Gln)

Gene: KCNA2 (potassium voltage-gated channel subfamily A member 2; minus strand). Cytogenetic location: 1p13.3.
Variant type: single nucleotide variant.
Coding change: c.566G>A on transcript NM_004974.4 (MANE Select); coding-DNA position 566, G replaced by A.
Protein change: p.Arg189Gln; replaces arginine 189 with glutamine.
Molecular consequence: missense variant.
Genome position (GRCh38, 1-based): chr1:110,604,217, C>T on the plus strand (G>A on the coding strand, the complement: KCNA2 is on the minus strand). VCF-style: chr1-110604217-C-T. GRCh37 (hg19) VCF-style: chr1-111146839-C-T.
Other names: c.566G>A, p.Arg189Gln (NM_001204269.2); short protein forms R189Q.
Identifiers: ClinVar variation 2101999 (VCV002101999.4), dbSNP rs1375738422, ClinGen allele CA341603713.

ClinVar aggregate classification (germline): Uncertain significance (1 of 4 stars; one submission).

Conditions:
Developmental and epileptic encephalopathy, 32 (DEE32). Also called: Epileptic encephalopathy, early infantile, 32. Identifiers: Orphanet 442835, MedGen C4225350, MONDO:0014607, OMIM 616366.

Allele frequency attached by ClinVar (database versions not stated): gnomAD 0.00001; TOPMed 0.00001; gnomAD exomes below 0.00001.
gnomAD v4.1: 5 of 1,614,028 alleles (0.00031%); highest among the groups gnomAD compares: Non-Finnish European, 0.00042%; no homozygotes.

Submission:

Labcorp Genetics (formerly Invitae), Labcorp
Classification: Uncertain significance for Developmental and epileptic encephalopathy, 32. Last evaluated: 2025-04-07. Review status: criteria provided, single submitter. Criteria: Invitae Variant Classification Sherloc (09022015). Collection method: clinical testing. Allele origin: germline.
Comment: This sequence change replaces arginine, which is basic and polar, with glutamine, which is neutral and polar, at codon 189 of the KCNA2 protein (p.Arg189Gln). The frequency data for this variant in the population databases is considered unreliable, as metrics indicate poor data quality at this position in the gnomAD database. This variant has not been reported in the literature in individuals affected with KCNA2-related conditions. ClinVar contains an entry for this variant (Variation ID: 2101999). Invitae Evidence Modeling of protein sequence and biophysical properties (such as structural, functional, and spatial information, amino acid conservation, physicochemical variation, residue mobility, and thermodynamic stability) indicates that this missense variant is not expected to disrupt KCNA2 protein function with a negative predictive value of 95%. In summary, the available evidence is currently insufficient to determine the role of this variant in disease. Therefore, it has been classified as a Variant of Uncertain Significance.